The following is an entry in ClinVar:

NM_022168.4(IFIH1):c.2066G>A (p.Arg689Lys)

Gene: IFIH1 (interferon induced with helicase C domain 1; minus strand). Cytogenetic location: 2q24.2.
Variant type: single nucleotide variant.
Coding change: c.2066G>A on transcript NM_022168.4 (MANE Select); coding-DNA position 2066, G replaced by A.
Protein change: p.Arg689Lys; replaces arginine 689 with lysine.
Molecular consequence: missense variant.
Genome position (GRCh38, 1-based): chr2:162,276,925, C>T on the plus strand (G>A on the coding strand, the complement: IFIH1 is on the minus strand). VCF-style: chr2-162276925-C-T. GRCh37 (hg19) VCF-style: chr2-163133435-C-T.
Other names: short protein forms R689K.
Identifiers: ClinVar variation 2946368 (VCV002946368.3), dbSNP rs755387327, ClinGen allele CA1934299.

ClinVar aggregate classification (germline): Uncertain significance (1 of 4 stars; one submission).

Conditions:
Singleton-Merten syndrome 1 (SGMRT1). Also called: Widened medullary cavities of bone, aortic calcification, abnormal dentition, and muscular weakness; Syndrome of widened medullary cavities of the metacarpals and phalanges, aortic calcification and abnormal dentition. Identifiers: Orphanet 85191, MedGen C4225427, MONDO:0024535, OMIM 182250.
Aicardi-Goutieres syndrome 7 (AGS7). Identifiers: Orphanet 51, MedGen C3888244, MONDO:0014367, OMIM 615846.

Allele frequency attached by ClinVar (database versions not stated): gnomAD 0.00001; ExAC 0.00002.
gnomAD v4.1: 11 of 1,603,060 alleles (0.00069%); highest among the groups gnomAD compares: East Asian, 0.0045%; no homozygotes.

Submission:

Labcorp Genetics (formerly Invitae), Labcorp
Classification: Uncertain significance for Aicardi-Goutieres syndrome 7; Singleton-Merten syndrome 1. Last evaluated: 2024-06-07. Review status: criteria provided, single submitter. Criteria: Invitae Variant Classification Sherloc (09022015). Collection method: clinical testing. Allele origin: germline.
Comment: This sequence change replaces arginine, which is basic and polar, with lysine, which is basic and polar, at codon 689 of the IFIH1 protein (p.Arg689Lys). This variant is present in population databases (rs755387327, gnomAD 0.006%). This variant has not been reported in the literature in individuals affected with IFIH1-related conditions. Algorithms developed to predict the effect of missense changes on protein structure and function output the following: SIFT: "Not Available"; PolyPhen-2: "Benign"; Align-GVGD: "Not Available". The lysine amino acid residue is found in multiple mammalian species, which suggests that this missense change does not adversely affect protein function. In summary, the available evidence is currently insufficient to determine the role of this variant in disease. Therefore, it has been classified as a Variant of Uncertain Significance.